The following is an entry in ClinVar:

ClinVar aggregate classification (germline): Uncertain significance (1 of 4 stars; one submission).

Submission:

Ambry Genetics
Classification: Uncertain significance. Last evaluated: 2026-04-26. Review status: criteria provided, single submitter. Criteria: Ambry Variant Classification Scheme 2023. Collection method: clinical testing. Allele origin: germline.
Comment: The p.T505P variant (also known as c.1513A>C), located in coding exon 1 of the TET2 gene, results from an A to C substitution at nucleotide position 1513. The threonine at codon 505 is replaced by proline, an amino acid with highly similar properties. This amino acid position is conserved. In addition, this alteration is predicted to be tolerated by in silico analysis. Based on the available evidence, the clinical significance of this variant remains unclear.

NM_001127208.3(TET2):c.1513A>C (p.Thr505Pro)

Genes: TET2 (tet methylcytosine dioxygenase 2; plus strand), TET2-AS1 (TET2 antisense RNA 1; minus strand). Cytogenetic location: 4q24.
Variant type: single nucleotide variant.
Coding change: c.1513A>C on transcript NM_001127208.3 (MANE Select); coding-DNA position 1513, A replaced by C.
Protein change: p.Thr505Pro; replaces threonine 505 with proline.
Molecular consequence: missense variant.
Genome position (GRCh38, 1-based): chr4:105,235,455, A>C. VCF-style: chr4-105235455-A-C. GRCh37 (hg19) VCF-style: chr4-106156612-A-C.
Other names: c.1513A>C, p.Thr505Pro (NM_017628.4); short protein forms T505P.
Identifiers: ClinVar variation 4865555 (VCV004865555.1).